The following is an entry in ClinVar:

ClinVar aggregate classification (germline): Uncertain significance (1 of 4 stars; one submission).

Conditions:
Dilated cardiomyopathy 1DD (CMD1DD). Identifiers: Orphanet 154, MedGen C2750995, MONDO:0013168, OMIM 613172.

Submission:

Labcorp Genetics (formerly Invitae), Labcorp
Classification: Uncertain significance for Dilated cardiomyopathy 1DD. Last evaluated: 2020-08-25. Review status: criteria provided, single submitter. Criteria: Invitae Variant Classification Sherloc (09022015). Collection method: clinical testing. Allele origin: germline.
Comment: In summary, the available evidence is currently insufficient to determine the role of this variant in disease. Therefore, it has been classified as a Variant of Uncertain Significance. Experimental studies and prediction algorithms are not available or were not evaluated, and the functional significance of this variant is currently unknown. This variant has not been reported in the literature in individuals with RBM20-related conditions. This variant is not present in population databases (ExAC no frequency). This variant, c.2280_2282dup, results in the insertion of 1 amino acid(s) to the RBM20 protein (p.Arg761dup), but otherwise preserves the integrity of the reading frame.

NM_001134363.3(RBM20):c.2280_2282dup (p.Arg761dup)

Gene: RBM20 (RNA binding motif protein 20; plus strand). Cytogenetic location: 10q25.2.
Variant type: Duplication.
Coding change: c.2280_2282dup on transcript NM_001134363.3 (MANE Select); coding-DNA positions 2280 to 2282, 3 bases duplicated (CCG; older notation c.2280_2282dupCCG).
Protein change: p.Arg761dup; duplicates arginine 761.
Molecular consequence: inframe insertion.
Genome position (GRCh38, 1-based): chr10:110,812,677-110,812,679, CCG duplicated. VCF-style (leftmost placement, unchanged base first): chr10-110812676-A-ACCG. GRCh37 (hg19) VCF-style: chr10-112572434-A-ACCG.
Identifiers: ClinVar variation 1040430 (VCV001040430.8), dbSNP rs1844787460, ClinGen allele CA2497307631.
Genomic context (GRCh38, chr10:110,812,676, plus strand): 5'-CTGGGTCTCCCAACCTGCCCCACTCTGTGTCCAGCTACAAAAGCCGTGAAGACGGCTACT[A>ACCG]CCGGAAAGAGCCCAAAGCCAAGTCGGACAAGTATCTGAAGCAGCAGCAGGATGCCCCCGG-3'